The following is an entry in ClinVar:

ClinVar aggregate classification (germline): Pathogenic/Likely pathogenic. Review status: criteria provided, multiple submitters, no conflicts (2 of 4 stars). 7 submissions from 6 submitters: Pathogenic (3); Likely pathogenic (4). Last evaluated 2026-05-12.

Conditions:
CEP290-related ciliopathy. Also called: CEP290 ciliopathy. Identifiers: MedGen CN305601, MONDO:0100451.
Joubert syndrome. Also called: Familial aplasia of the vermis; JOUBERT-BOLTSHAUSER SYNDROME. Identifiers: Orphanet 475, MedGen C5979921, MONDO:0018772.
Nephronophthisis. Also called: Juvenile Nephronophthisis. Identifiers: Orphanet 655, MedGen C0687120, MONDO:0019005, HP:0000090.
Meckel-Gruber syndrome. Also called: DYSENCEPHALIA SPLANCHNOCYSTICA; GRUBER SYNDROME; Dysencephalia splachnocystica. Identifiers: Orphanet 564, MedGen C0265215, MONDO:0018921.
Joubert syndrome 5 (JBTS5). Identifiers: Orphanet 2318, MedGen C1857780, MONDO:0012432, OMIM 610188.
Bardet-Biedl syndrome 14 (BBS14). Identifiers: Orphanet 110, MedGen C2673874, MONDO:0014442, OMIM 615991.
CEP290-related disorder. Also called: CEP290-related disorders; CEP290-related condition. Identifiers: MedGen CN239314.
Senior-Loken syndrome 6 (SLSN6). Identifiers: Orphanet 3156, MedGen C1857779, MONDO:0012433, OMIM 610189.
Meckel syndrome, type 4 (MKS4). Also called: MECKEL-GRUBER SYNDROME, TYPE 4. Identifiers: Orphanet 564, MedGen C1970161, MONDO:0012626, OMIM 611134.
Leber congenital amaurosis 10 (LCA10). Identifiers: Orphanet 65, MedGen C1857821, MONDO:0012723, OMIM 611755.

Submissions (7):

Myriad Genetics, Inc.
Classification: Pathogenic for CEP290-related ciliopathy. Last evaluated: 2026-05-12. Review status: criteria provided, single submitter. Criteria: Myriad Autosomal Dominant, Autosomal Recessive and X-Linked Classification Criteria (2023). Collection method: clinical testing. Allele origin: unknown.
Comment: NM_025114.3(CEP290):c.2594_2595delTC(L865Qfs*9) is a frameshift variant classified as pathogenic in the context of CEP290-related disorders. L865Qfs*9 has been observed in a case with relevant disease (PMID: 28510626). Relevant functional assessments of this variant are not available in the literature. L865Qfs*9 has not been observed in referenced population frequency databases. In summary, NM_025114.3(CEP290):c.2594_2595delTC(L865Qfs*9) is a frameshift variant in a gene where loss of function is a known mechanism of disease, is predicted to disrupt protein function, and has been observed more frequently in cases with the relevant disease than in healthy populations. Please note: this variant was assessed in the context of healthy population screening.

GeneDx
Classification: Pathogenic. Last evaluated: 2025-06-20. Review status: criteria provided, single submitter. Criteria: GeneDx Variant Classification Process June 2021. Collection method: clinical testing. Allele origin: germline. Affected: yes.
Comment: Frameshift variant predicted to result in protein truncation or nonsense mediated decay in a gene for which loss of function is a known mechanism of disease; Not observed at significant frequency in large population cohorts (gnomAD); Has not been previously published as pathogenic or benign to our knowledge

Fulgent Genetics
Classification: Likely pathogenic for Joubert syndrome 5; Senior-Loken syndrome 6; Meckel syndrome, type 4; Leber congenital amaurosis 10; Bardet-Biedl syndrome 14. Last evaluated: 2024-05-04. Review status: criteria provided, single submitter. Criteria: ACMG Guidelines, 2015. Collection method: clinical testing. Allele origin: germline.

Labcorp Genetics (formerly Invitae), Labcorp
Classification: Pathogenic for Joubert syndrome; Meckel-Gruber syndrome; Nephronophthisis. Last evaluated: 2023-11-01. Review status: criteria provided, single submitter. Criteria: Invitae Variant Classification Sherloc (09022015). Collection method: clinical testing. Allele origin: germline.
Comment: This sequence change creates a premature translational stop signal (p.Leu865Glnfs*9) in the CEP290 gene. It is expected to result in an absent or disrupted protein product. Loss-of-function variants in CEP290 are known to be pathogenic (PMID: 16909394, 17345604, 20690115). This variant is not present in population databases (gnomAD no frequency). This variant has not been reported in the literature in individuals affected with CEP290-related conditions. ClinVar contains an entry for this variant (Variation ID: 817418). For these reasons, this variant has been classified as Pathogenic.

Baylor Genetics
Classification: Likely pathogenic for Bardet-Biedl syndrome 14. Last evaluated: 2023-04-16. Review status: criteria provided, single submitter. Criteria: ACMG Guidelines, 2015. Collection method: clinical testing. Allele origin: unknown.

Blueprint Genetics
Classification: Likely pathogenic for CEP290-related disorders. Last evaluated: 2022-08-11. Review status: criteria provided, single submitter. Criteria: ACMG Guidelines, 2015. Collection method: clinical testing. Allele origin: germline. Affected: yes. Observed: 2 variant alleles.

Baylor Genetics
Classification: Likely pathogenic for Joubert syndrome 5. Last evaluated: 2019-03-02. Review status: criteria provided, single submitter. Criteria: ACMG Guidelines, 2015. Collection method: clinical testing. Allele origin: paternal. Affected: yes.
Comment: This variant was determined to be likely pathogenic according to ACMG Guidelines, 2015 [PMID:25741868].

Literature cited by the submitters: PubMed 28510626 (cited by Myriad Genetics, Inc.); PubMed 16909394 (cited by Labcorp Genetics (formerly Invitae), Labcorp); PubMed 17345604 (cited by Labcorp Genetics (formerly Invitae), Labcorp); PubMed 20690115 (cited by Labcorp Genetics (formerly Invitae), Labcorp).

NM_025114.4(CEP290):c.2594_2595del (p.Leu865fs)

Gene: CEP290 (centrosomal protein 290; minus strand). Cytogenetic location: 12q21.32.
Variant type: Deletion.
Coding change: c.2594_2595del on transcript NM_025114.4 (MANE Select); coding-DNA positions 2594 to 2595, 2 bases deleted (TC; older notation c.2594_2595delTC).
Protein change: p.Leu865fs; shifts the reading frame from leucine 865.
Molecular consequence: frameshift variant.
Genome position (GRCh38, 1-based): chr12:88,106,897-88,106,898, GA deleted on the plus strand (TC on the coding strand, the reverse complement: CEP290 is on the minus strand); deleting any 2 consecutive bases within chr12:88,106,897-88,106,899 gives the same sequence; the c. name uses the placement nearest the transcript's 3' end. VCF-style (leftmost placement, unchanged base first): chr12-88106896-TGA-T. GRCh37 (hg19) VCF-style: chr12-88500673-TGA-T.
Other names: c.2594_2595del (NM_025114.3); short protein forms L865fs.
Identifiers: ClinVar variation 817418 (VCV000817418.14), dbSNP rs1221464366, ClinGen allele CA693083653.
Genomic context (GRCh38, chr12:88,106,896, plus strand): 5'-TTTTCCTACTATTTTCTGCAAGTATTTTTTTCATTTCATCCGAATCCATCTGAAGAGCAT[TGA>T]GCAAATTCTGCACAAAGACACATCCATATTACTTGTTGAATCTAGCTATCCTACTTTGTA-3'